The following is an entry in ClinVar:

NM_004628.5(XPC):c.1732G>T (p.Val578Phe)

Gene: XPC (XPC complex subunit, DNA damage recognition and repair factor; minus strand). Cytogenetic location: 3p25.1.
Variant type: single nucleotide variant.
Coding change: c.1732G>T on transcript NM_004628.5 (MANE Select); coding-DNA position 1732, G replaced by T.
Protein change: p.Val578Phe; replaces valine 578 with phenylalanine.
Molecular consequence: missense variant. On other transcripts: non-coding transcript variant (2), intron variant (1).
Genome position (GRCh38, 1-based): chr3:14,158,151, C>A on the plus strand (G>T on the coding strand, the complement: XPC is on the minus strand). VCF-style: chr3-14158151-C-A. GRCh37 (hg19) VCF-style: chr3-14199651-C-A.
Other names: c.1153G>T, p.Val385Phe (NM_001354726.2); c.1732G>T, p.Val578Phe (NM_001354727.2); c.1714G>T, p.Val572Phe (NM_001354729.2); c.1626+106G>T (NM_001354730.2); short protein forms V572F, V578F, V385F.
Identifiers: ClinVar variation 1958382 (VCV001958382.5), dbSNP rs1330047294, ClinGen allele CA351539165.

ClinVar aggregate classification (germline): Uncertain significance (1 of 4 stars; one submission).

Allele frequency attached by ClinVar (database versions not stated): gnomAD 0.00001; TOPMed 0.00001.
gnomAD v4.1: 4 of 1,613,870 alleles (0.00025%); highest among the groups gnomAD compares: Non-Finnish European, 0.00034%; no homozygotes.

Submission:

Labcorp Genetics (formerly Invitae), Labcorp
Classification: Uncertain significance. Last evaluated: 2022-07-17. Review status: criteria provided, single submitter. Criteria: Invitae Variant Classification Sherloc (09022015). Collection method: clinical testing. Allele origin: germline.
Comment: Algorithms developed to predict the effect of missense changes on protein structure and function are either unavailable or do not agree on the potential impact of this missense change (SIFT: "Not Available"; PolyPhen-2: "Possibly Damaging"; Align-GVGD: "Not Available"). This variant has not been reported in the literature in individuals affected with XPC-related conditions. This variant is present in population databases (no rsID available, gnomAD 0.007%). This sequence change replaces valine, which is neutral and non-polar, with phenylalanine, which is neutral and non-polar, at codon 578 of the XPC protein (p.Val578Phe). In summary, the available evidence is currently insufficient to determine the role of this variant in disease. Therefore, it has been classified as a Variant of Uncertain Significance.